The following is an entry in ClinVar:

ClinVar aggregate classification (germline): Uncertain significance (1 of 4 stars; one submission).

Submission:

GeneDx
Classification: Uncertain significance. Last evaluated: 2023-07-03. Review status: criteria provided, single submitter. Criteria: GeneDx Variant Classification Process June 2021. Collection method: clinical testing. Allele origin: germline. Affected: yes.
Comment: Not observed at significant frequency in large population cohorts (gnomAD); In silico analysis supports that this missense variant has a deleterious effect on protein structure/function; Has not been previously published as pathogenic or benign to our knowledge

NM_139318.5(KCNH5):c.1394G>A (p.Gly465Glu)

Gene: KCNH5 (potassium voltage-gated channel subfamily H member 5; minus strand). Cytogenetic location: 14q23.2.
Variant type: single nucleotide variant.
Coding change: c.1394G>A on transcript NM_139318.5 (MANE Select); coding-DNA position 1394, G replaced by A.
Protein change: p.Gly465Glu; replaces glycine 465 with glutamic acid.
Molecular consequence: missense variant.
Genome position (GRCh38, 1-based): chr14:62,849,828, C>T on the plus strand (G>A on the coding strand, the complement: KCNH5 is on the minus strand). VCF-style: chr14-62849828-C-T. GRCh37 (hg19) VCF-style: chr14-63316546-C-T.
Other names: c.1394G>A, p.Gly465Glu (NM_172375.3); short protein forms G465E.
Identifiers: ClinVar variation 3360566 (VCV003360566.1).